The following is an entry in ClinVar:

NM_201599.3(ZMYM3):c.1000T>A (p.Phe334Ile)

Gene: ZMYM3 (zinc finger MYM-type containing 3; minus strand). Cytogenetic location: Xq13.1.
Variant type: single nucleotide variant.
Coding change: c.1000T>A on transcript NM_201599.3 (MANE Select); coding-DNA position 1000, T replaced by A.
Protein change: p.Phe334Ile; replaces phenylalanine 334 with isoleucine.
Molecular consequence: missense variant.
Genome position (GRCh38, 1-based): chrX:71,250,505, A>T on the plus strand (T>A on the coding strand, the complement: ZMYM3 is on the minus strand). VCF-style: chrX-71250505-A-T. GRCh37 (hg19) VCF-style: chrX-70470355-A-T.
Other names: c.1000T>A, p.Phe334Ile (NM_001171162.1, NM_001171163.1, NM_005096.3); short protein forms F334I.
Identifiers: ClinVar variation 3781048 (VCV003781048.1).
Genomic context (GRCh38, chrX:71,250,505, plus strand): 5'-TACAGGTCTTTTTGCCCGAGGGCTTCTTGGAGAAAGTGGTGAGGCAGGATGACGAGCAGA[A>T]GAGCTGAGGCAGCCCCTTGCGCTGATAGGCAGTCTGCCCCTTCTGCAGTGGTGTCCGGCA-3'
Protein context (NP_963893.1, residues 324-344): AYQRKGLPQL[Phe334Ile]CSSSCLTTFS

ClinVar aggregate classification (germline): Likely pathogenic (1 of 4 stars; one submission).

Submission:

GeneDx
Classification: Likely pathogenic. Last evaluated: 2024-10-21. Review status: criteria provided, single submitter. Criteria: GeneDx Variant Classification Process June 2021. Collection method: clinical testing. Allele origin: germline. Affected: yes.
Comment: Not observed at significant frequency in large population cohorts (gnomAD); In silico analysis supports that this missense variant has a deleterious effect on protein structure/function; Has not been previously published as pathogenic or benign to our knowledge